The following is an entry in ClinVar:

ClinVar aggregate classification (germline): Uncertain significance (1 of 4 stars; one submission).

gnomAD v4.1: 3 of 1,523,928 alleles (0.0002%); highest among the groups gnomAD compares: African/African-American, 0.0042%; no homozygotes.

Submission:

Ambry Genetics
Classification: Uncertain significance. Last evaluated: 2025-03-31. Review status: criteria provided, single submitter. Criteria: Ambry Variant Classification Scheme 2023. Collection method: clinical testing. Allele origin: germline.
Comment: The p.T908S variant (also known as c.2723C>G), located in coding exon 13 of the GEN1 gene, results from a C to G substitution at nucleotide position 2723. The threonine at codon 908 is replaced by serine, an amino acid with similar properties. This amino acid position is conserved. In addition, this alteration is predicted to be tolerated by in silico analysis. Based on the available evidence, the clinical significance of this variant remains unclear.

NM_001130009.3(GEN1):c.2723C>G (p.Thr908Ser)

Gene: GEN1 (GEN1 Holliday junction 5' flap endonuclease; plus strand). Cytogenetic location: 2p24.2.
Variant type: single nucleotide variant.
Coding change: c.2723C>G on transcript NM_001130009.3 (MANE Select); coding-DNA position 2723, C replaced by G.
Protein change: p.Thr908Ser; replaces threonine 908 with serine.
Molecular consequence: missense variant.
Genome position (GRCh38, 1-based): chr2:17,781,935, C>G. VCF-style: chr2-17781935-C-G. GRCh37 (hg19) VCF-style: chr2-17963202-C-G.
Other names: c.2723C>G, p.Thr908Ser (NM_182625.5); short protein forms T908S.
Identifiers: ClinVar variation 4029185 (VCV004029185.1).